The following is an entry in ClinVar:

NM_001148.6(ANK2):c.8365G>A (p.Val2789Ile)

Gene: ANK2 (ankyrin 2; plus strand). Cytogenetic location: 4q26.
Variant type: single nucleotide variant.
Coding change: c.8365G>A on transcript NM_001148.6 (MANE Select); coding-DNA position 8365, G replaced by A.
Protein change: p.Val2789Ile; replaces valine 2789 with isoleucine.
Molecular consequence: missense variant. On other transcripts: intron variant (68).
Genome position (GRCh38, 1-based): chr4:113,356,983, G>A. VCF-style: chr4-113356983-G-A. GRCh37 (hg19) VCF-style: chr4-114278139-G-A.
Other names: c.4202-3840G>A (NM_001354253.2, NM_001354270.2); c.4166-3840G>A (NM_001354257.2, NM_001386156.1); c.4241-3840G>A (NM_001354249.2, NM_001354266.2, NM_001354276.2 and 2 more transcripts); c.4208-3840G>A (NM_001386146.1, NM_001386150.1, NM_001386149.1 and 1 more transcripts); c.4193-3840G>A (NM_001354274.2, NM_001386154.1); c.4142-3840G>A (NM_001386151.1, NM_001354260.2, NM_001354271.2); c.4043-3840G>A (NM_001386157.1, NM_001354277.2); c.4361-3840G>A (NM_001386161.1, NM_001354244.2, NM_001354256.2); and 35 more; short protein forms V1589I, V2711I, V2789I, V2828I, V2836I.
Identifiers: ClinVar variation 1062246 (VCV001062246.5), dbSNP rs2095826054, ClinGen allele CA357933902.

ClinVar aggregate classification (germline): Uncertain significance (1 of 4 stars; one submission).

Conditions:
Long QT syndrome (LQTS). Identifiers: MedGen C0023976, MeSH D008133, MONDO:0002442. Disease mechanism: loss of function. Inheritance: Various modes of inheritance.

gnomAD v4.1: 1 of 1,614,052 alleles (0.000062%); highest among the groups gnomAD compares: Non-Finnish European, 0.000085%; no homozygotes.

Submission:

Labcorp Genetics (formerly Invitae), Labcorp
Classification: Uncertain significance for Long QT syndrome. Last evaluated: 2022-11-15. Review status: criteria provided, single submitter. Criteria: Invitae Variant Classification Sherloc (09022015). Collection method: clinical testing. Allele origin: germline.
Comment: In summary, the available evidence is currently insufficient to determine the role of this variant in disease. Therefore, it has been classified as a Variant of Uncertain Significance. Algorithms developed to predict the effect of missense changes on protein structure and function output the following: SIFT: "Tolerated"; PolyPhen-2: "Benign"; Align-GVGD: "Class C0". The isoleucine amino acid residue is found in multiple mammalian species, which suggests that this missense change does not adversely affect protein function. ClinVar contains an entry for this variant (Variation ID: 1062246). This variant has not been reported in the literature in individuals affected with ANK2-related conditions. This variant is not present in population databases (gnomAD no frequency). This sequence change replaces valine, which is neutral and non-polar, with isoleucine, which is neutral and non-polar, at codon 2789 of the ANK2 protein (p.Val2789Ile).